The following is an entry in ClinVar:

NM_004656.4(BAP1):c.38-11G>A

Gene: BAP1 (BRCA1 associated deubiquitinase 1; minus strand). Cytogenetic location: 3p21.1.
Variant type: single nucleotide variant.
Coding change: c.38-11G>A on transcript NM_004656.4 (MANE Select); 11 bases into the intron before coding-DNA position 38, G replaced by A.
Molecular consequence: intron variant.
Genome position (GRCh38, 1-based): chr3:52,409,754, C>T on the plus strand (G>A on the coding strand, the complement: BAP1 is on the minus strand). VCF-style: chr3-52409754-C-T. GRCh37 (hg19) VCF-style: chr3-52443770-C-T.
Identifiers: ClinVar variation 515566 (VCV000515566.14), dbSNP rs768279336, ClinGen allele CA2437236.
Genomic context (GRCh38, chr3:52,409,754, plus strand): 5'-CAGGGAGAAAAGGCTCTTACCGAAATCTTCCACGAGCAGGGTGAAGAGGCCTGGGTGGGG[C>T]GACAAGAGGAGGGGGTGATGGTCAGGCAGGCGCGTCCCGGGCCCATCCGGCCTCCCCAGC-3'

ClinVar aggregate classification (germline): Likely benign. Review status: criteria provided, multiple submitters, no conflicts (2 of 4 stars). 5 submissions from 5 submitters: Likely benign (5). Last evaluated 2026-01-15.

Conditions:
Hereditary cancer-predisposing syndrome. Also called: Hereditary Cancer Syndrome; Neoplastic Syndromes, Hereditary; Tumor predisposition; Hereditary neoplastic syndrome. Identifiers: Orphanet 140162, MedGen C0027672, MeSH D009386, MONDO:0015356.
BAP1-related tumor predisposition syndrome (TPDS1). Also called: COMMON Syndrome; TUMOR PREDISPOSITION SYNDROME 1; Tumor susceptibility linked to germline BAP1 mutations; BAP1 tumor predisposition syndrome. Identifiers: Orphanet 289539, MedGen C3280492, MONDO:0013692, OMIM 614327.

Allele frequency attached by ClinVar (database versions not stated): ExAC 0.00002; gnomAD exomes 0.00002 and 0.00003; TOPMed 0.00002.
gnomAD v4.1: 11 of 1,613,760 alleles (0.00068%); highest among the groups gnomAD compares: Admixed American, 0.017%; no homozygotes.

Submissions (5):

Labcorp Genetics (formerly Invitae), Labcorp
Classification: Likely benign for BAP1-related tumor predisposition syndrome. Last evaluated: 2026-01-15. Review status: criteria provided, single submitter. Criteria: Invitae Variant Classification Sherloc (09022015). Collection method: clinical testing. Allele origin: germline.

Myriad Genetics, Inc.
Classification: Likely benign for BAP1-related tumor predisposition syndrome. Last evaluated: 2024-07-11. Review status: criteria provided, single submitter. Criteria: Myriad Autosomal Dominant, Autosomal Recessive and X-Linked Classification Criteria (2023). Collection method: clinical testing. Allele origin: unknown.
Comment: This variant is considered likely benign. This variant is intronic and is not expected to impact mRNA splicing.

Sema4
Classification: Likely benign for Hereditary cancer-predisposing syndrome. Last evaluated: 2021-08-23. Review status: criteria provided, single submitter. Criteria: Sema4 Curation Guidelines. Collection method: curation. Allele origin: germline.

Color Diagnostics, LLC DBA Color Health
Classification: Likely benign for Hereditary cancer-predisposing syndrome. Last evaluated: 2019-12-03. Review status: criteria provided, single submitter. Criteria: ACMG Guidelines, 2015. Collection method: clinical testing. Allele origin: germline.

GeneDx
Classification: Likely benign. Last evaluated: 2018-02-13. Review status: criteria provided, single submitter. Criteria: GeneDx Variant Classification (06012015). Collection method: clinical testing. Allele origin: germline. Affected: yes.
Comment: This variant is considered likely benign or benign based on one or more of the following criteria: it is a conservative change, it occurs at a poorly conserved position in the protein, it is predicted to be benign by multiple in silico algorithms, and/or has population frequency not consistent with disease.